The following is an entry in ClinVar:

NM_007194.4(CHEK2):c.1153_1159del (p.Cys385fs)

Gene: CHEK2 (checkpoint kinase 2; minus strand). Cytogenetic location: 22q12.1.
Variant type: Deletion.
Coding change: c.1153_1159del on transcript NM_007194.4 (MANE Select); coding-DNA positions 1153 to 1159, 7 bases deleted (TGTGGAA; older notation c.1153_1159delTGTGGAA).
Protein change: p.Cys385fs; shifts the reading frame from cysteine 385.
Molecular consequence: frameshift variant.
Genome position (GRCh38, 1-based): chr22:28,695,810-28,695,816, TTCCACA deleted on the plus strand (TGTGGAA on the coding strand, the reverse complement: CHEK2 is on the minus strand); deleting any 7 consecutive bases within chr22:28,695,810-28,695,817 gives the same sequence; the c. name uses the placement nearest the transcript's 3' end. VCF-style (leftmost placement, unchanged base first): chr22-28695809-GTTCCACA-G. GRCh37 (hg19) VCF-style: chr22-29091797-GTTCCACA-G.
Other names: c.1282_1288del, p.Cys428fs (NM_001005735.3); c.490_496del, p.Cys164fs (NM_001257387.3, NM_001437942.1); c.952_958del, p.Cys318fs (NM_001349956.3); c.1246_1252del, p.Cys416fs (NM_001438293.1); c.1195_1201del, p.Cys399fs (NM_001438294.1); c.1159_1165del, p.Cys387fs (NM_001438295.1); c.1066_1072del, p.Cys356fs (NM_145862.3); short protein forms C387fs, C416fs, C318fs, C356fs, C385fs, C428fs, C164fs, C399fs.
Identifiers: ClinVar variation 4735716 (VCV004735716.1).

ClinVar aggregate classification (germline): Pathogenic (1 of 4 stars; one submission).

Conditions:
Familial cancer of breast. Also called: hereditary breast carcinoma; BREAST CANCER, FAMILIAL; Hereditary breast cancer. Identifiers: Orphanet 227535, MedGen C0346153, MONDO:0016419, OMIM 114480. Disease mechanism: loss of function.

Submission:

Labcorp Genetics (formerly Invitae), Labcorp
Classification: Pathogenic for Familial cancer of breast. Last evaluated: 2026-01-19. Review status: criteria provided, single submitter. Criteria: Invitae Variant Classification Sherloc (09022015). Collection method: clinical testing. Allele origin: germline.
Comment: This sequence change creates a premature translational stop signal (p.Cys385Profs*27) in the CHEK2 gene. It is expected to result in an absent or disrupted protein product. Loss-of-function variants in CHEK2 are known to be pathogenic (PMID: 21876083, 24713400). This variant is not present in population databases (gnomAD no frequency). This variant has not been reported in the literature in individuals affected with CHEK2-related conditions. For these reasons, this variant has been classified as Pathogenic.

Literature cited by the submitters: PubMed 21876083; PubMed 24713400.